The following is an entry in ClinVar:

ClinVar aggregate classification (germline): Pathogenic (1 of 4 stars; one submission).

Conditions:
Hereditary cancer-predisposing syndrome. Also called: Tumor predisposition; Hereditary neoplastic syndrome; Neoplastic Syndromes, Hereditary; Hereditary Cancer Syndrome. Identifiers: Orphanet 140162, MedGen C0027672, MeSH D009386, MONDO:0015356.

Submission:

Ambry Genetics
Classification: Pathogenic for Hereditary cancer-predisposing syndrome. Last evaluated: 2025-05-06. Review status: criteria provided, single submitter. Criteria: Ambry Variant Classification Scheme 2023. Collection method: clinical testing. Allele origin: germline.
Comment: The c.917delA pathogenic mutation, located in coding exon 6 of the BRIP1 gene, results from a deletion of one nucleotide at nucleotide position 917, causing a translational frameshift with a predicted alternate stop codon (p.N306Tfs*32). This variant is considered to be rare based on population cohorts in the Genome Aggregation Database (gnomAD). This alteration is expected to result in loss of function by premature protein truncation or nonsense-mediated mRNA decay. As such, this alteration is interpreted as a disease-causing mutation.

NM_032043.3(BRIP1):c.917del (p.Asn306fs)

Gene: BRIP1 (BRCA1 interacting DNA helicase 1; minus strand). Cytogenetic location: 17q23.2.
Variant type: Deletion.
Coding change: c.917del on transcript NM_032043.3 (MANE Select); coding-DNA position 917, one base deleted (A; older notation c.917delA).
Protein change: p.Asn306fs; shifts the reading frame from asparagine 306.
Molecular consequence: frameshift variant.
Genome position (GRCh38, 1-based): chr17:61,808,468, T deleted on the plus strand (A on the coding strand, the reverse complement: BRIP1 is on the minus strand); the first of 5 consecutive T bases (chr17:61,808,468-61,808,472); deleting any one gives the same sequence. VCF-style (leftmost placement, unchanged base first): chr17-61808467-GT-G. GRCh37 (hg19) VCF-style: chr17-59885828-GT-G.
Other names: c.917delA (NM_032043.2); short protein forms N306fs.
Identifiers: ClinVar variation 3993112 (VCV003993112.1).